The following is an entry in ClinVar:

ClinVar aggregate classification (germline): Uncertain significance. Review status: criteria provided, multiple submitters, no conflicts (2 of 4 stars). 2 submissions from 2 submitters: Uncertain significance (2). Last evaluated 2025-06-18.

Conditions:
Hypertrophic cardiomyopathy. Also called: HYPERTROPHIC MYOCARDIOPATHY. Identifiers: Orphanet 217569, MedGen C0007194, MeSH D002312, MONDO:0005045, HP:0001639.

Submissions (2):

Labcorp Genetics (formerly Invitae), Labcorp
Classification: Uncertain significance for Hypertrophic cardiomyopathy. Last evaluated: 2025-06-18. Review status: criteria provided, single submitter. Criteria: Invitae Variant Classification Sherloc (09022015). Collection method: clinical testing. Allele origin: germline.
Comment: This sequence change replaces glutamine, which is neutral and polar, with lysine, which is basic and polar, at codon 1773 of the MYH7 protein (p.Gln1773Lys). This variant is not present in population databases (gnomAD no frequency). This missense change has been observed in individual(s) with hypertrophic cardiomyopathy (PMID: 29121657). ClinVar contains an entry for this variant (Variation ID: 181277). Invitae Evidence Modeling of protein sequence and biophysical properties (such as structural, functional, and spatial information, amino acid conservation, physicochemical variation, residue mobility, and thermodynamic stability) indicates that this missense variant is expected to disrupt MYH7 protein function with a positive predictive value of 95%. In summary, the available evidence is currently insufficient to determine the role of this variant in disease. Therefore, it has been classified as a Variant of Uncertain Significance.

GeneDx
Classification: Uncertain significance. Last evaluated: 2017-05-26. Review status: criteria provided, single submitter. Criteria: GeneDx Variant Classification (06012015). Collection method: clinical testing. Allele origin: germline. Affected: yes.
Comment: The Q1773K variant has not been published as a pathogenic variant or been reported as a benign variant to our knowledge. This variant is not observed in large population cohorts (Lek et al., 2016; 1000 Genomes Consortium et al., 2015; Exome Variant Server). The Q1773K variant is a semi-conservative amino acid substitution, which may impact secondary protein structure as these residues differ in some properties. This substitution occurs at a position that is conserved across species. Furthermore, in silico analysis predicts this variant is probably damaging to the protein structure/function. Moreover, missense variants in nearby residues (E1768K, L1769M, S1776G, A1777T) have been reported in the Human Gene Mutation Database in association with HCM (Stenson et al., 2014). Nevertheless, in the absence of functional studies and/or published reports, we cannot definitively determine if this variant is pathogenic or benign. Therefore, based on the currently available information, it is unclear whether this variant is a pathogenic variant or a rare benign variant.

Literature cited by the submitters: PubMed 29121657 (cited by Labcorp Genetics (formerly Invitae), Labcorp).

NM_000257.4(MYH7):c.5317C>A (p.Gln1773Lys)

Gene: MYH7 (myosin heavy chain 7; minus strand). Cytogenetic location: 14q11.2.
Variant type: single nucleotide variant.
Coding change: c.5317C>A on transcript NM_000257.4 (MANE Select); coding-DNA position 5317, C replaced by A.
Protein change: p.Gln1773Lys; replaces glutamine 1773 with lysine.
Molecular consequence: missense variant.
Genome position (GRCh38, 1-based): chr14:23,415,237, G>T on the plus strand (C>A on the coding strand, the complement: MYH7 is on the minus strand). VCF-style: chr14-23415237-G-T. GRCh37 (hg19) VCF-style: chr14-23884446-G-T.
Other names: p.Q1773K:CAG>AAG; c.5317C>A (LRG_384t1); short protein forms Q1773K.
Identifiers: ClinVar variation 181277 (VCV000181277.7), dbSNP rs730880815, ClinGen allele CA015939.